The following is an entry in ClinVar:

NM_022168.4(IFIH1):c.2779C>T (p.His927Tyr)

Gene: IFIH1 (interferon induced with helicase C domain 1; minus strand). Cytogenetic location: 2q24.2.
Variant type: single nucleotide variant.
Coding change: c.2779C>T on transcript NM_022168.4 (MANE Select); coding-DNA position 2779, C replaced by T.
Protein change: p.His927Tyr; replaces histidine 927 with tyrosine.
Molecular consequence: missense variant.
Genome position (GRCh38, 1-based): chr2:162,268,115, G>A on the plus strand (C>T on the coding strand, the complement: IFIH1 is on the minus strand). VCF-style: chr2-162268115-G-A. GRCh37 (hg19) VCF-style: chr2-163124625-G-A.
Other names: short protein forms H927Y.
Identifiers: ClinVar variation 4794132 (VCV004794132.1).

ClinVar aggregate classification (germline): Uncertain significance (1 of 4 stars; one submission).

Conditions:
Aicardi-Goutieres syndrome 7 (AGS7). Identifiers: Orphanet 51, MedGen C3888244, MONDO:0014367, OMIM 615846.
Singleton-Merten syndrome 1 (SGMRT1). Also called: Widened medullary cavities of bone, aortic calcification, abnormal dentition, and muscular weakness; Syndrome of widened medullary cavities of the metacarpals and phalanges, aortic calcification and abnormal dentition. Identifiers: Orphanet 85191, MedGen C4225427, MONDO:0024535, OMIM 182250.

gnomAD v4.1: 1 of 1,606,700 alleles (0.000062%); highest among the groups gnomAD compares: Non-Finnish European, 0.000085%; no homozygotes.

Submission:

Labcorp Genetics (formerly Invitae), Labcorp
Classification: Uncertain significance for Aicardi-Goutieres syndrome 7; Singleton-Merten syndrome 1. Last evaluated: 2025-02-13. Review status: criteria provided, single submitter. Criteria: Invitae Variant Classification Sherloc (09022015). Collection method: clinical testing. Allele origin: germline.
Comment: This sequence change replaces histidine, which is basic and polar, with tyrosine, which is neutral and polar, at codon 927 of the IFIH1 protein (p.His927Tyr). This variant is not present in population databases (gnomAD no frequency). This variant has not been reported in the literature in individuals affected with IFIH1-related conditions. Invitae Evidence Modeling of protein sequence and biophysical properties (such as structural, functional, and spatial information, amino acid conservation, physicochemical variation, residue mobility, and thermodynamic stability) has been performed for this missense variant. However, the output from this modeling did not meet the statistical confidence thresholds required to predict the impact of this variant on IFIH1 protein function. In summary, the available evidence is currently insufficient to determine the role of this variant in disease. Therefore, it has been classified as a Variant of Uncertain Significance.